The following is an entry in ClinVar:

Conditions:
Breast-ovarian cancer, familial, susceptibility to, 1 (BROVCA1). Also called: BRCA1 Hereditary Breast and Ovarian Cancer; OVARIAN CANCER, SUSCEPTIBILITY TO. Identifiers: Orphanet 145, MedGen C2676676, MONDO:0011450, OMIM 604370. Disease mechanism: loss of function.

Allele frequency attached by ClinVar (database versions not stated): gnomAD exomes below 0.00001.
gnomAD v4.1: 1 of 1,601,930 alleles (0.000062%); highest among the groups gnomAD compares: Non-Finnish European, 0.000086%; no homozygotes.

Submission:

Brotman Baty Institute, University of Washington
No classification provided (evidence only). Condition: Breast-ovarian cancer, familial 1. Review status: no classification provided. Collection method: in vitro. Allele origin: not applicable. Functional consequence: functionally_normal.
ClinVar note: "not provided" was previously submitted as the classification for the variant. However, the classification appeared to be based only on an observation of functional data so it was converted to no classification on 2025-07-30.

NM_007294.4(BRCA1):c.4987-9T>C

Gene: BRCA1 (BRCA1 DNA repair associated; minus strand). Cytogenetic location: 17q21.31.
Variant type: single nucleotide variant.
Coding change: c.4987-9T>C on transcript NM_007294.4 (MANE Select); 9 bases into the intron before coding-DNA position 4987, T replaced by C.
Molecular consequence: intron variant.
Genome position (GRCh38, 1-based): chr17:43,067,704, A>G on the plus strand (T>C on the coding strand, the complement: BRCA1 is on the minus strand). VCF-style: chr17-43067704-A-G. GRCh37 (hg19) VCF-style: chr17-41219721-A-G.
Other names: c.4987-9T>C (NM_001407597.1, NM_001407605.1, NM_001407684.1 and 8 more transcripts); c.5053-9T>C (NM_001407582.1, NM_001407581.1); c.4771-9T>C (NM_001407917.1, NM_001407918.1, NM_001407915.1 and 1 more transcripts); c.1534-9T>C (NM_001408462.1, NM_001408458.1, NM_001408461.1 and 7 more transcripts); c.4984-9T>C (NM_001407623.1, NM_001407615.1, NM_001407625.1 and 17 more transcripts); c.4774-9T>C (NM_001407902.1, NM_001407897.1, NM_001407908.1 and 12 more transcripts); c.1597-9T>C (NM_001408414.1, NM_001408415.1, NM_001408412.1 and 2 more transcripts); c.1600-9T>C (NM_001408411.1); and 71 more.
Identifiers: ClinVar variation 868091 (VCV000868091.3), dbSNP rs2052193720, ClinGen allele CA916080177.